The following is an entry in ClinVar:

NM_006509.4(RELB):c.1147C>T (p.Arg383Trp)

Gene: RELB (RELB proto-oncogene, NF-kB subunit; plus strand). Cytogenetic location: 19q13.32.
Variant type: single nucleotide variant.
Coding change: c.1147C>T on transcript NM_006509.4 (MANE Select); coding-DNA position 1147, C replaced by T.
Protein change: p.Arg383Trp; replaces arginine 383 with tryptophan.
Molecular consequence: missense variant.
Genome position (GRCh38, 1-based): chr19:45,032,689, C>T. VCF-style: chr19-45032689-C-T. GRCh37 (hg19) VCF-style: chr19-45535947-C-T.
Other names: c.1138C>T, p.Arg380Trp (NM_001411087.1); short protein forms R383W, R380W.
Identifiers: ClinVar variation 2115777 (VCV002115777.4), dbSNP rs1379143078, ClinGen allele CA406305576.

ClinVar aggregate classification (germline): Uncertain significance (1 of 4 stars; one submission).

Submission:

Labcorp Genetics (formerly Invitae), Labcorp
Classification: Uncertain significance. Last evaluated: 2025-01-06. Review status: criteria provided, single submitter. Criteria: Invitae Variant Classification Sherloc (09022015). Collection method: clinical testing. Allele origin: germline.
Comment: This sequence change replaces arginine, which is basic and polar, with tryptophan, which is neutral and slightly polar, at codon 383 of the RELB protein (p.Arg383Trp). This variant is not present in population databases (gnomAD no frequency). This variant has not been reported in the literature in individuals affected with RELB-related conditions. ClinVar contains an entry for this variant (Variation ID: 2115777). An algorithm developed to predict the effect of missense changes on protein structure and function (PolyPhen-2) suggests that this variant is likely to be disruptive. In summary, the available evidence is currently insufficient to determine the role of this variant in disease. Therefore, it has been classified as a Variant of Uncertain Significance.